The following is an entry in ClinVar:

NM_003719.5(PDE8B):c.971G>T (p.Arg324Leu)

Gene: PDE8B (phosphodiesterase 8B; plus strand). Cytogenetic location: 5q13.3.
Variant type: single nucleotide variant.
Coding change: c.971G>T on transcript NM_003719.5 (MANE Select); coding-DNA position 971, G replaced by T.
Protein change: p.Arg324Leu; replaces arginine 324 with leucine.
Molecular consequence: missense variant. On other transcripts: intron variant (9).
Genome position (GRCh38, 1-based): chr5:77,349,513, G>T. VCF-style: chr5-77349513-G-T. GRCh37 (hg19) VCF-style: chr5-76645338-G-T.
Other names: c.971G>T, p.Arg324Leu (NM_001029852.4, NM_001376063.1, NM_001376064.1); c.911G>T, p.Arg304Leu (NM_001029853.4); c.968G>T, p.Arg323Leu (NM_001349748.3, NM_001349751.3); c.1034G>T, p.Arg345Leu (NM_001349749.3); c.731G>T, p.Arg244Leu (NM_001349750.3); c.665G>T, p.Arg222Leu (NM_001349752.3); c.599G>T, p.Arg200Leu (NM_001349753.2, NM_001376067.1, NM_001376068.1 and 2 more transcripts); c.668G>T, p.Arg223Leu (NM_001376062.1, NM_001376072.1); and 10 more; short protein forms R200L, R203L, R222L, R223L, R244L, R304L, R323L, R324L.
Identifiers: ClinVar variation 3899796 (VCV003899796.1).

ClinVar aggregate classification (germline): Uncertain significance (1 of 4 stars; one submission).

gnomAD v4.1: 4 of 1,613,998 alleles (0.00025%); highest among the groups gnomAD compares: African/African-American, 0.004%; no homozygotes.

Submission:

GeneDx
Classification: Uncertain significance. Last evaluated: 2024-11-14. Review status: criteria provided, single submitter. Criteria: GeneDx Variant Classification Process June 2021. Collection method: clinical testing. Allele origin: germline. Affected: yes.
Comment: In silico analysis supports that this missense variant has a deleterious effect on protein structure/function; Has not been previously published as pathogenic or benign to our knowledge